The following is an entry in ClinVar:

ClinVar aggregate classification (germline): Uncertain significance. Review status: criteria provided, multiple submitters, no conflicts (2 of 4 stars). 8 submissions from 8 submitters: Uncertain significance (5). 3 of the submissions do not count toward it. Last evaluated 2024-07-15.

Conditions:
Retinitis pigmentosa 56 (RP56). Identifiers: Orphanet 791, MedGen C3150819, MONDO:0013314, OMIM 613581.
Vitelliform macular dystrophy 5. Identifiers: Orphanet 99000, MedGen C4015343, MONDO:0014509, OMIM 616152.
Retinal dystrophy. Also called: Inherited retinal dystrophy. Identifiers: Orphanet 71862, MedGen C0854723, MeSH D058499, MONDO:0019118, HP:0000556.
Retinitis pigmentosa (RP). Identifiers: Orphanet 791, MedGen C0035334, MeSH D012174, MONDO:0019200, OMIM 268000. Inheritance: Autosomal dominant, autosomal recessive and X linked inheritance.

Allele frequency attached by ClinVar (database versions not stated): 1000 Genomes Project 30x 0.00047; ESP Exome Variant Server 0.00023; TOPMed 0.00043; 1000 Genomes Project 0.00060.
gnomAD v4.1: 722 of 1,614,176 alleles (0.045%); highest among the groups gnomAD compares: Middle Eastern, 0.099%; 1 homozygote.

Submissions (8):

Blueprint Genetics
Classification: Uncertain significance. Last evaluated: 2024-07-15. Review status: criteria provided, single submitter. Criteria: ACMG Guidelines, 2015. Collection method: clinical testing. Allele origin: germline.

Labcorp Genetics (formerly Invitae), Labcorp
Classification: Uncertain significance. Last evaluated: 2022-10-17. Review status: criteria provided, single submitter. Criteria: Invitae Variant Classification Sherloc (09022015). Collection method: clinical testing. Allele origin: germline.
Comment: This sequence change replaces leucine, which is neutral and non-polar, with methionine, which is neutral and non-polar, at codon 842 of the IMPG2 protein (p.Leu842Met). This variant is present in population databases (rs149896250, gnomAD 0.06%). This variant has not been reported in the literature in individuals affected with IMPG2-related conditions. ClinVar contains an entry for this variant (Variation ID: 95748). Advanced modeling of protein sequence and biophysical properties (such as structural, functional, and spatial information, amino acid conservation, physicochemical variation, residue mobility, and thermodynamic stability) performed at Invitae indicates that this missense variant is expected to disrupt IMPG2 protein function. In summary, the available evidence is currently insufficient to determine the role of this variant in disease. Therefore, it has been classified as a Variant of Uncertain Significance.

Department of Pathology and Laboratory Medicine, Sinai Health System
Classification: Uncertain significance for Retinitis pigmentosa 56; Vitelliform macular dystrophy 5. Last evaluated: 2022-01-31. Review status: criteria provided, single submitter. Criteria: ACMG Guidelines, 2015. Collection method: research. Allele origin: germline.

Illumina Laboratory Services, Illumina
Classification: Uncertain significance for Retinitis pigmentosa. Last evaluated: 2018-01-13. Review status: criteria provided, single submitter. Criteria: ICSL Variant Classification Criteria 13 December 2019. Collection method: clinical testing. Allele origin: germline.

Eurofins Ntd Llc (ga)
Classification: Uncertain significance. Last evaluated: 2017-02-22. Review status: criteria provided, single submitter. Criteria: EGL Classification Definitions 2015. Collection method: clinical testing. Allele origin: germline. Observed: 2 variant alleles, 2 heterozygotes.

Institute of Human Genetics, Univ. Regensburg, Univ. Regensburg
Classification: Uncertain significance for Retinal dystrophy. Last evaluated: 2018-01-01. Review status: no assertion criteria provided. Criteria: ACMG Guidelines, 2015. Collection method: clinical testing. Allele origin: germline. Affected: yes. Not counted in ClinVar's aggregate classification.

Clinical Genetics DNA and cytogenetics Diagnostics Lab, Erasmus MC, Erasmus Medical Center
Classification: Uncertain significance. Review status: no assertion criteria provided. Collection method: clinical testing. Allele origin: germline. Affected: yes. Study: VKGL Data-share Consensus. Not counted in ClinVar's aggregate classification.

Clinical Genetics, Academic Medical Center
Classification: Uncertain significance. Review status: no assertion criteria provided. Collection method: clinical testing. Allele origin: germline. Affected: yes. Study: VKGL Data-share Consensus. Not counted in ClinVar's aggregate classification.

NM_016247.4(IMPG2):c.2524C>A (p.Leu842Met)

Gene: IMPG2 (interphotoreceptor matrix proteoglycan 2; minus strand). Cytogenetic location: 3q12.3.
Variant type: single nucleotide variant.
Coding change: c.2524C>A on transcript NM_016247.4 (MANE Select); coding-DNA position 2524, C replaced by A.
Protein change: p.Leu842Met; replaces leucine 842 with methionine.
Molecular consequence: missense variant.
Genome position (GRCh38, 1-based): chr3:101,243,807, G>T on the plus strand (C>A on the coding strand, the complement: IMPG2 is on the minus strand). VCF-style: chr3-101243807-G-T. GRCh37 (hg19) VCF-style: chr3-100962651-G-T.
Other names: short protein forms L842M.
Identifiers: ClinVar variation 95748 (VCV000095748.19), dbSNP rs149896250, ClinGen allele CA223247.